The following is an entry in ClinVar:

NM_004260.4(RECQL4):c.2590C>A (p.Gln864Lys)

Gene: RECQL4 (RecQ like helicase 4; minus strand). Cytogenetic location: 8q24.3.
Variant type: single nucleotide variant.
Coding change: c.2590C>A on transcript NM_004260.4 (MANE Select); coding-DNA position 2590, C replaced by A.
Protein change: p.Gln864Lys; replaces glutamine 864 with lysine.
Molecular consequence: missense variant.
Genome position (GRCh38, 1-based): chr8:144,513,012, G>T on the plus strand (C>A on the coding strand, the complement: RECQL4 is on the minus strand). VCF-style: chr8-144513012-G-T. GRCh37 (hg19) VCF-style: chr8-145738395-G-T.
Other names: short protein forms Q864K.
Identifiers: ClinVar variation 459416 (VCV000459416.6), dbSNP rs1054186954, ClinGen allele CA372676940.

ClinVar aggregate classification (germline): Uncertain significance (1 of 4 stars; one submission).

Conditions:
Baller-Gerold syndrome (BGS). Also called: CRANIOSYNOSTOSIS WITH RADIAL DEFECTS. Identifiers: Orphanet 1225, MedGen C0265308, MONDO:0009039, OMIM 218600.

gnomAD v4.1: 1 of 1,570,530 alleles (0.000064%); highest among the groups gnomAD compares: Admixed American, 0.0019%; no homozygotes.

Submission:

Labcorp Genetics (formerly Invitae), Labcorp
Classification: Uncertain significance for Baller-Gerold syndrome. Last evaluated: 2022-07-19. Review status: criteria provided, single submitter. Criteria: Invitae Variant Classification Sherloc (09022015). Collection method: clinical testing. Allele origin: germline.
Comment: Algorithms developed to predict the effect of missense changes on protein structure and function output the following: SIFT: "Not Available"; PolyPhen-2: "Not Available"; Align-GVGD: "Not Available". The lysine amino acid residue is found in multiple mammalian species, which suggests that this missense change does not adversely affect protein function. This sequence change replaces glutamine, which is neutral and polar, with lysine, which is basic and polar, at codon 864 of the RECQL4 protein (p.Gln864Lys). This variant is not present in population databases (gnomAD no frequency). This variant has not been reported in the literature in individuals affected with RECQL4-related conditions. ClinVar contains an entry for this variant (Variation ID: 459416). In summary, the available evidence is currently insufficient to determine the role of this variant in disease. Therefore, it has been classified as a Variant of Uncertain Significance.